The following is an entry in ClinVar:

ClinVar aggregate classification (germline): Benign/Likely benign. Review status: criteria provided, multiple submitters, no conflicts (2 of 4 stars). 3 submissions from 3 submitters: Benign (1); Likely benign (1). 1 of the submissions does not count toward it. Last evaluated 2026-08-01.

Conditions:
PHKA2-related disorder. Also called: PHKA2-related condition.
Glycogen storage disease IXa1. Also called: LIVER GLYCOGENOSIS, X-LINKED, TYPE I; GLYCOGEN STORAGE DISEASE VIII; GSD VIII; Glycogen storage disease 8. Identifiers: Orphanet 264580, MedGen C3694531, MONDO:0010598, OMIM 306000.

Allele frequency attached by ClinVar (database versions not stated): gnomAD exomes 0.00012 and 0.00063; gnomAD 0.00013; TOPMed 0.00025; ExAC 0.00050.
gnomAD v4.1: 138 of 1,207,252 alleles (0.011%); highest among the groups gnomAD compares: Admixed American, 0.3%; no homozygotes.

Submissions (3):

CeGaT Center for Human Genetics Tuebingen
Classification: Likely benign. Last evaluated: 2026-08-01. Review status: criteria provided, single submitter. Criteria: CeGaT Center For Human Genetics Tuebingen Variant Classification Criteria Version 2. Collection method: clinical testing. Allele origin: germline. Affected: yes. Observed: 1 variant allele.
Comment: PHKA2: BP4, BS2

Labcorp Genetics (formerly Invitae), Labcorp
Classification: Benign for Glycogen storage disease IXa1. Last evaluated: 2026-01-08. Review status: criteria provided, single submitter. Criteria: Invitae Variant Classification Sherloc (09022015). Collection method: clinical testing. Allele origin: germline.

PreventionGenetics, part of Exact Sciences
Classification: Benign for PHKA2-related condition. Last evaluated: 2019-06-12. Review status: no assertion criteria provided. Collection method: clinical testing. Allele origin: germline. Not counted in ClinVar's aggregate classification.
Comment: This variant is classified as benign based on ACMG/AMP sequence variant interpretation guidelines (Richards et al. 2015 PMID: 25741868, with internal and published modifications).

NM_000292.3(PHKA2):c.3069G>A (p.Val1023=)

Gene: PHKA2 (phosphorylase kinase regulatory subunit alpha 2; minus strand). Cytogenetic location: Xp22.13.
Variant type: single nucleotide variant.
Coding change: c.3069G>A on transcript NM_000292.3 (MANE Select); coding-DNA position 3069, G replaced by A.
Protein change: p.Val1023=; no amino-acid change (valine 1023 retained).
Molecular consequence: synonymous variant.
Genome position (GRCh38, 1-based): chrX:18,899,215, C>T on the plus strand (G>A on the coding strand, the complement: PHKA2 is on the minus strand). VCF-style: chrX-18899215-C-T. GRCh37 (hg19) VCF-style: chrX-18917333-C-T.
Identifiers: ClinVar variation 778630 (VCV000778630.12), dbSNP rs748792637, ClinGen allele CA10361455.